The following is an entry in ClinVar:

NM_001267550.2(TTN):c.17207T>C (p.Ile5736Thr)

Genes: TTN (titin; minus strand), LOC126806431 (CDK7 strongly-dependent group 2 enhancer GRCh37_chr2:179595719-179596918; plus strand). Cytogenetic location: 2q31.2.
Variant type: single nucleotide variant.
Coding change: c.17207T>C on transcript NM_001267550.2 (MANE Select); coding-DNA position 17207, T replaced by C.
Protein change: p.Ile5736Thr; replaces isoleucine 5736 with threonine.
Molecular consequence: missense variant. On other transcripts: intron variant (3).
Genome position (GRCh38, 1-based): chr2:178,731,559, A>G on the plus strand (T>C on the coding strand, the complement: TTN is on the minus strand). VCF-style: chr2-178731559-A-G. GRCh37 (hg19) VCF-style: chr2-179596286-A-G.
Other names: c.16256T>C, p.Ile5419Thr (NM_001256850.1); c.13475T>C, p.Ile4492Thr (NM_133378.4); c.13282+6523T>C (NM_003319.4); c.13858+6523T>C (NM_133437.4); c.13657+6523T>C (NM_133432.3); short protein forms I4492T, I5419T, I5736T.
Identifiers: ClinVar variation 2691060 (VCV002691060.2), dbSNP rs1473469854, ClinGen allele CA349574602.

ClinVar aggregate classification (germline): Conflicting classifications of pathogenicity. Review status: criteria provided, conflicting classifications (1 of 4 stars). 2 submissions from 2 submitters: Uncertain significance (1); Likely benign (1). Last evaluated 2025-07-07.

Conditions:
TTN-related disorder. Also called: TTN-related disorders; TTN-related condition; TTN-related disease.
Cardiomyopathy (CMYO). Also called: Cardiomyopathies. Identifiers: Orphanet 167848, MedGen C0878544, MONDO:0004994, HP:0001638. Inheritance: Various modes of inheritance.

Allele frequency attached by ClinVar (database versions not stated): gnomAD exomes below 0.00001; gnomAD 0.00002; TOPMed 0.00002.
gnomAD v4.1: 12 of 1,607,896 alleles (0.00075%); highest among the groups gnomAD compares: Middle Eastern, 0.017%; no homozygotes.

Submissions (2):

PreventionGenetics, part of Exact Sciences
Classification: Uncertain significance for TTN-related condition. Last evaluated: 2025-07-07. Review status: criteria provided, single submitter. Criteria: ACMG Guidelines, 2015. Collection method: clinical testing. Allele origin: germline.
Comment: The TTN c.17207T>C variant is predicted to result in the amino acid substitution p.Ile5736Thr. To our knowledge, this variant has not been reported in the literature. This variant is reported in 0.0083% of alleles in individuals of African descent in gnomAD. At this time, the clinical significance of this variant is uncertain due to the absence of conclusive functional and genetic evidence.

CHEO Genetics Diagnostic Laboratory, Children's Hospital of Eastern Ontario
Classification: Likely benign for Cardiomyopathy. Last evaluated: 2022-07-06. Review status: criteria provided, single submitter. Criteria: ACMG Guidelines, 2015. Collection method: clinical testing. Allele origin: germline.